The following is an entry in ClinVar:

NM_198859.4(PRICKLE2):c.2296G>A (p.Gly766Arg)

Genes: PRICKLE2 (prickle planar cell polarity protein 2; minus strand), PRICKLE2-AS1 (PRICKLE2 antisense RNA 1; plus strand). Cytogenetic location: 3p14.1.
Variant type: single nucleotide variant.
Coding change: c.2296G>A on transcript NM_198859.4 (MANE Select); coding-DNA position 2296, G replaced by A.
Protein change: p.Gly766Arg; replaces glycine 766 with arginine.
Molecular consequence: missense variant. On other transcripts: non-coding transcript variant (1).
Genome position (GRCh38, 1-based): chr3:64,099,290, C>T on the plus strand (G>A on the coding strand, the complement: PRICKLE2 is on the minus strand). VCF-style: chr3-64099290-C-T. GRCh37 (hg19) VCF-style: chr3-64084966-C-T.
Other names: c.2296G>A, p.Gly766Arg (NM_001370528.1); short protein forms G766R.
Identifiers: ClinVar variation 2893153 (VCV002893153.3), dbSNP rs1389909262, ClinGen allele CA353426272.

ClinVar aggregate classification (germline): Uncertain significance (1 of 4 stars; one submission).

Conditions:
Progressive myoclonic epilepsy type 5. Identifiers: Orphanet 402082, MedGen C5190799.

Allele frequency attached by ClinVar (database versions not stated): TOPMed 0.00002.
gnomAD v4.1: 19 of 1,614,188 alleles (0.0012%); highest among the groups gnomAD compares: Admixed American, 0.0067%; no homozygotes.

Submission:

Labcorp Genetics (formerly Invitae), Labcorp
Classification: Uncertain significance for Progressive myoclonic epilepsy type 5. Last evaluated: 2025-04-28. Review status: criteria provided, single submitter. Criteria: Invitae Variant Classification Sherloc (09022015). Collection method: clinical testing. Allele origin: germline.
Comment: This sequence change replaces glycine, which is neutral and non-polar, with arginine, which is basic and polar, at codon 766 of the PRICKLE2 protein (p.Gly766Arg). This variant is present in population databases (no rsID available, gnomAD 0.01%). This variant has not been reported in the literature in individuals affected with PRICKLE2-related conditions. ClinVar contains an entry for this variant (Variation ID: 2893153). Invitae Evidence Modeling of protein sequence and biophysical properties (such as structural, functional, and spatial information, amino acid conservation, physicochemical variation, residue mobility, and thermodynamic stability) indicates that this missense variant is not expected to disrupt PRICKLE2 protein function with a negative predictive value of 80%. In summary, the available evidence is currently insufficient to determine the role of this variant in disease. Therefore, it has been classified as a Variant of Uncertain Significance.